The following is an entry in ClinVar:

NM_005529.7(HSPG2):c.13094G>A (p.Arg4365Gln)

Genes: LDLRAD2 (low density lipoprotein receptor class A domain containing 2; plus strand), HSPG2 (heparan sulfate proteoglycan 2; minus strand). Cytogenetic location: 1p36.12.
Variant type: single nucleotide variant.
Coding change: c.13094G>A on transcript NM_005529.7 (MANE Select); coding-DNA position 13094, G replaced by A.
Protein change: p.Arg4365Gln; replaces arginine 4365 with glutamine.
Molecular consequence: missense variant. On other transcripts: 3 prime UTR variant (1).
Genome position (GRCh38, 1-based): chr1:21,823,398, C>T on the plus strand (G>A on the coding strand, the complement: HSPG2 is on the minus strand). VCF-style: chr1-21823398-C-T. GRCh37 (hg19) VCF-style: chr1-22149891-C-T.
Other names: c.13097G>A, p.Arg4366Gln (NM_001291860.2); c.*1183C>T (NM_001013693.3); short protein forms R4365Q, R4366Q.
Identifiers: ClinVar variation 995707 (VCV000995707.16), dbSNP rs373773624, ClinGen allele CA19145275.

ClinVar aggregate classification (germline): Uncertain significance. Review status: criteria provided, multiple submitters, no conflicts (2 of 4 stars). 2 submissions from 2 submitters: Uncertain significance (2). Last evaluated 2022-06-20.

gnomAD v4.1: 31 of 1,565,548 alleles (0.002%); highest among the groups gnomAD compares: African/African-American, 0.004%; no homozygotes.

Submissions (2):

Labcorp Genetics (formerly Invitae), Labcorp
Classification: Uncertain significance. Last evaluated: 2022-06-20. Review status: criteria provided, single submitter. Criteria: Invitae Variant Classification Sherloc (09022015). Collection method: clinical testing. Allele origin: germline.
Comment: ClinVar contains an entry for this variant (Variation ID: 995707). This variant has not been reported in the literature in individuals affected with HSPG2-related conditions. This variant is present in population databases (rs373773624, gnomAD 0.008%). This sequence change replaces arginine, which is basic and polar, with glutamine, which is neutral and polar, at codon 4365 of the HSPG2 protein (p.Arg4365Gln). Algorithms developed to predict the effect of missense changes on protein structure and function output the following: SIFT: "Tolerated"; PolyPhen-2: "Benign"; Align-GVGD: "Class C0". The glutamine amino acid residue is found in multiple mammalian species, which suggests that this missense change does not adversely affect protein function. In summary, the available evidence is currently insufficient to determine the role of this variant in disease. Therefore, it has been classified as a Variant of Uncertain Significance.

ARUP Laboratories, Molecular Genetics and Genomics, ARUP Laboratories
Classification: Uncertain significance. Last evaluated: 2020-04-08. Review status: criteria provided, single submitter. Criteria: ARUP Molecular Germline Variant Investigation Process. Collection method: clinical testing. Allele origin: germline.
Comment: The HSPG2 c.13094G>A; p.Arg4365Gln variant (rs373773624), to our knowledge, is not reported in the medical literature or gene-specific databases. This variant is found on only eight chromosomes (8/205074 alleles) in the Genome Aggregation Database. The arginine at codon 4365 is weakly conserved, and computational analyses (SIFT, PolyPhen-2) predict that this variant is tolerated. However, due to limited information, the clinical significance of the p.Arg4365Gln variant is uncertain at this time.